The following is an entry in ClinVar:

ClinVar aggregate classification (germline): Pathogenic. Review status: criteria provided, multiple submitters, no conflicts (2 of 4 stars). 2 submissions from 2 submitters: Pathogenic (2). Last evaluated 2026-07-28.

Conditions:
Hereditary breast ovarian cancer syndrome. Also called: Hereditary breast and ovarian cancer; Breast and ovarian cancer; Hereditary breast and/or ovarian cancer syndrome; Hereditary breast and ovarian cancer syndrome (HBOC); BRCA1- and BRCA2-Associated Hereditary Breast and Ovarian Cancer; Hereditary breast and ovarian cancer syndrome. Identifiers: Orphanet 145, MedGen C0677776, MeSH D061325, MONDO:0003582. Disease mechanism: loss of function.
Hereditary cancer-predisposing syndrome. Also called: Tumor predisposition; Hereditary neoplastic syndrome; Hereditary Cancer Syndrome; Neoplastic Syndromes, Hereditary. Identifiers: Orphanet 140162, MedGen C0027672, MeSH D009386, MONDO:0015356.

Submissions (2):

Ambry Genetics
Classification: Pathogenic for Hereditary cancer-predisposing syndrome. Last evaluated: 2026-07-28. Review status: criteria provided, single submitter. Criteria: Ambry Variant Classification Scheme 2023. Collection method: clinical testing. Allele origin: germline.
Comment: The c.9070_9073delAACA pathogenic mutation, located in coding exon 22 of the BRCA2 gene, results from a deletion of 4 nucleotides at nucleotide positions 9070 to 9073, causing a translational frameshift with a predicted alternate stop codon (p.N3024Yfs*3). This variant is considered to be rare based on population cohorts in the Genome Aggregation Database (gnomAD). This variant is expected to result in loss of function by premature protein truncation or nonsense-mediated mRNA decay. As such, this variant is interpreted as a disease-causing mutation.

Labcorp Genetics (formerly Invitae), Labcorp
Classification: Pathogenic for Hereditary breast ovarian cancer syndrome. Last evaluated: 2024-04-25. Review status: criteria provided, single submitter. Criteria: Invitae Variant Classification Sherloc (09022015). Collection method: clinical testing. Allele origin: germline.
Comment: This sequence change creates a premature translational stop signal (p.Asn3024Tyrfs*3) in the BRCA2 gene. It is expected to result in an absent or disrupted protein product. Loss-of-function variants in BRCA2 are known to be pathogenic (PMID: 20104584). This variant is not present in population databases (gnomAD no frequency). This premature translational stop signal has been observed in individual(s) with breast cancer or exocrine pancreatic neoplasm (PMID: 28724667, 29506128, 29752822). For these reasons, this variant has been classified as Pathogenic.

Literature cited by the submitters: PubMed 20104584 (cited by Labcorp Genetics (formerly Invitae), Labcorp); PubMed 28724667 (cited by Labcorp Genetics (formerly Invitae), Labcorp); PubMed 29506128 (cited by Labcorp Genetics (formerly Invitae), Labcorp); PubMed 29752822 (cited by Labcorp Genetics (formerly Invitae), Labcorp).

NM_000059.4(BRCA2):c.9070_9073del (p.Asn3024fs)

Gene: BRCA2 (BRCA2 DNA repair associated; plus strand). Cytogenetic location: 13q13.1.
Variant type: Deletion.
Coding change: c.9070_9073del on transcript NM_000059.4 (MANE Select); coding-DNA positions 9070 to 9073, 4 bases deleted (AACA; older notation c.9070_9073delAACA).
Protein change: p.Asn3024fs; shifts the reading frame from asparagine 3024.
Molecular consequence: frameshift variant.
Genome position (GRCh38, 1-based): chr13:32,379,866-32,379,869, AACA deleted. VCF-style (leftmost placement, unchanged base first): chr13-32379865-TAACA-T. GRCh37 (hg19) VCF-style: chr13-32954002-TAACA-T.
Other names: c.9070_9073delAACA (NM_000059.3); short protein forms N3024fs.
Identifiers: ClinVar variation 3721271 (VCV003721271.3).
Genomic context (GRCh38, chr13:32,379,865, plus strand): 5'-AAAGAGATACAGAATTTATCATCTTGCAACTTCAAAATCTAAAAGTAAATCTGAAAGAGC[TAACA>T]TACAGTTAGCAGCGACAAAAAAAACTCAGTATCAACAACTACCGGTACAAACCTTTCATT-3'